The following is an entry in ClinVar:

NM_004415.4(DSP):c.8252T>C (p.Ile2751Thr)

Gene: DSP (desmoplakin; plus strand). Cytogenetic location: 6p24.3.
Variant type: single nucleotide variant.
Coding change: c.8252T>C on transcript NM_004415.4 (MANE Select); coding-DNA position 8252, T replaced by C.
Protein change: p.Ile2751Thr; replaces isoleucine 2751 with threonine.
Molecular consequence: missense variant.
Genome position (GRCh38, 1-based): chr6:7,585,514, T>C. VCF-style: chr6-7585514-T-C. GRCh37 (hg19) VCF-style: chr6-7585747-T-C.
Other names: c.6455T>C, p.Ile2152Thr (NM_001008844.3); c.6923T>C, p.Ile2308Thr (NM_001319034.2); short protein forms I2152T, I2308T, I2751T.
Identifiers: ClinVar variation 2926944 (VCV002926944.4), dbSNP rs949070315, ClinGen allele CA362694767.
Genomic context (GRCh38, chr6:7,585,514, plus strand): 5'-ACCTCACGGGAGGTCTTGTTGACCCGGAAGTGCATGGGAGGATAAGCACCGAAGAAGCCA[T>C]CCGGAAGGGGTTCATAGATGGCCGCGCCGCACAGAGGCTGCAAGACACCAGCAGCTATGC-3'
Protein context (NP_004406.2, residues 2741-2761): VHGRISTEEA[Ile2751Thr]RKGFIDGRAA

ClinVar aggregate classification (germline): Uncertain significance. Review status: criteria provided, multiple submitters, no conflicts (2 of 4 stars). 2 submissions from 2 submitters: Uncertain significance (2). Last evaluated 2026-04-21.

Conditions:
Cardiovascular phenotype. Identifiers: MedGen CN230736.
Arrhythmogenic cardiomyopathy with wooly hair and keratoderma. Also called: Arrhythmogenic cardiomyopathy with woolly hair and keratoderma; PALMOPLANTAR KERATODERMA WITH LEFT VENTRICULAR CARDIOMYOPATHY AND WOOLLY HAIR; Carvajal syndrome; Dilated cardiomyopathy with woolly hair and keratoderma. Identifiers: Orphanet 65282, MedGen C1854063, MONDO:0011581, OMIM 605676.
Arrhythmogenic right ventricular dysplasia 8 (ARVD8). Also called: Arrhythmogenic Right Ventricular Dysplasia/Cardiomyopathy 8; ARRHYTHMOGENIC RIGHT VENTRICULAR DYSPLASIA, FAMILIAL, 8; ARRHYTHMOGENIC RIGHT VENTRICULAR CARDIOMYOPATHY 8. Identifiers: MedGen C1843896, MONDO:0011831, OMIM 607450.

Allele frequency attached by ClinVar (database versions not stated): gnomAD exomes below 0.00001.
gnomAD v4.1: 6 of 1,614,064 alleles (0.00037%); highest among the groups gnomAD compares: Non-Finnish European, 0.00051%; no homozygotes.

Submissions (2):

Ambry Genetics
Classification: Uncertain significance for Cardiovascular phenotype. Last evaluated: 2026-04-21. Review status: criteria provided, single submitter. Criteria: Ambry Variant Classification Scheme 2023. Collection method: clinical testing. Allele origin: germline.

Labcorp Genetics (formerly Invitae), Labcorp
Classification: Uncertain significance for Arrhythmogenic cardiomyopathy with wooly hair and keratoderma; Arrhythmogenic right ventricular dysplasia 8. Last evaluated: 2023-05-29. Review status: criteria provided, single submitter. Criteria: Invitae Variant Classification Sherloc (09022015). Collection method: clinical testing. Allele origin: germline.
Comment: In summary, the available evidence is currently insufficient to determine the role of this variant in disease. Therefore, it has been classified as a Variant of Uncertain Significance. An algorithm developed to predict the effect of missense changes on protein structure and function (PolyPhen-2) suggests that this variant is likely to be disruptive. This variant has not been reported in the literature in individuals affected with DSP-related conditions. This variant is present in population databases (no rsID available, gnomAD 0.0009%). This sequence change replaces isoleucine, which is neutral and non-polar, with threonine, which is neutral and polar, at codon 2751 of the DSP protein (p.Ile2751Thr).